The following is an entry in ClinVar:

ClinVar aggregate classification (germline): Conflicting classifications of pathogenicity. Review status: criteria provided, conflicting classifications (1 of 4 stars). 7 submissions from 7 submitters: Uncertain significance (1); Likely benign (2). 4 of the submissions do not count toward it. Last evaluated 2022-03-31.

Conditions:
TTN-related disorder. Also called: TTN-related condition; TTN-related disease; TTN-related disorders.

Allele frequency attached by ClinVar (database versions not stated): ExAC 0.00003; gnomAD 0.00005; gnomAD exomes 0.00005; TOPMed 0.00005; ESP Exome Variant Server 0.00008.
gnomAD v4.1: 97 of 1,607,430 alleles (0.006%); highest among the groups gnomAD compares: Middle Eastern, 0.017%; no homozygotes.

Submissions (7):

Revvity Omics, Revvity
Classification: Uncertain significance. Last evaluated: 2022-03-31. Review status: criteria provided, single submitter. Criteria: ACMG Guidelines, 2015. Collection method: clinical testing. Allele origin: germline.

GeneDx
Classification: Likely benign. Last evaluated: 2020-09-14. Review status: criteria provided, single submitter. Criteria: GeneDx Variant Classification Process June 2021. Collection method: clinical testing. Allele origin: germline. Affected: yes.

Blueprint Genetics
Classification: Likely benign. Last evaluated: 2018-07-04. Review status: criteria provided, single submitter. Criteria: ACMG Guidelines, 2015. Collection method: clinical testing. Allele origin: germline.

PreventionGenetics, part of Exact Sciences
Classification: Uncertain significance for TTN-related condition. Last evaluated: 2024-06-03. Review status: no assertion criteria provided. Collection method: clinical testing. Allele origin: germline. Not counted in ClinVar's aggregate classification.
Comment: The TTN c.63464G>A variant is predicted to result in the amino acid substitution p.Arg21155His. To our knowledge, this variant has not been reported in the literature. This variant is reported in 0.011% of alleles in individuals of East Asian descent in gnomAD. At this time, the clinical significance of this variant is uncertain due to the absence of conclusive functional and genetic evidence.

Clinical Genetics DNA and cytogenetics Diagnostics Lab, Erasmus MC, Erasmus Medical Center
Classification: Uncertain significance. Review status: no assertion criteria provided. Collection method: clinical testing. Allele origin: germline. Affected: yes. Study: VKGL Data-share Consensus. Not counted in ClinVar's aggregate classification.

Diagnostic Laboratory, Department of Genetics, University Medical Center Groningen
Classification: Uncertain significance. Review status: no assertion criteria provided. Collection method: clinical testing. Allele origin: germline. Affected: yes. Study: VKGL Data-share Consensus. Not counted in ClinVar's aggregate classification.

Joint Genome Diagnostic Labs from Nijmegen and Maastricht, Radboudumc and MUMC+
Classification: Uncertain significance. Review status: no assertion criteria provided. Collection method: clinical testing. Allele origin: germline. Affected: yes. Study: VKGL Data-share Consensus. Not counted in ClinVar's aggregate classification.

NM_001267550.2(TTN):c.63464G>A (p.Arg21155His)

Genes: TTN (titin; minus strand), TTN-AS1 (TTN antisense RNA 1; plus strand). Cytogenetic location: 2q31.2.
Variant type: single nucleotide variant.
Coding change: c.63464G>A on transcript NM_001267550.2 (MANE Select); coding-DNA position 63464, G replaced by A.
Protein change: p.Arg21155His; replaces arginine 21155 with histidine.
Molecular consequence: missense variant.
Genome position (GRCh38, 1-based): chr2:178,587,943, C>T on the plus strand (G>A on the coding strand, the complement: TTN is on the minus strand). VCF-style: chr2-178587943-C-T. GRCh37 (hg19) VCF-style: chr2-179452670-C-T.
Other names: c.58541G>A, p.Arg19514His (NM_001256850.1); c.36269G>A, p.Arg12090His (NM_003319.4); c.55760G>A, p.Arg18587His (NM_133378.4); c.36644G>A, p.Arg12215His (NM_133432.3); c.36845G>A, p.Arg12282His (NM_133437.4); short protein forms R12090H, R12215H, R12282H, R18587H, R19514H, R21155H.
Identifiers: ClinVar variation 1195209 (VCV001195209.11), dbSNP rs373169150, ClinGen allele CA1992086.